The following is an entry in ClinVar:

NM_178862.3(STT3B):c.1764C>T (p.Tyr588=)

Gene: STT3B (STT3 oligosaccharyltransferase complex catalytic subunit B; plus strand). Cytogenetic location: 3p23.
Variant type: single nucleotide variant.
Coding change: c.1764C>T on transcript NM_178862.3 (MANE Select); coding-DNA position 1764, C replaced by T.
Protein change: p.Tyr588=; no amino-acid change (tyrosine 588 retained).
Molecular consequence: synonymous variant.
Genome position (GRCh38, 1-based): chr3:31,624,950, C>T. VCF-style: chr3-31624950-C-T. GRCh37 (hg19) VCF-style: chr3-31666442-C-T.
Identifiers: ClinVar variation 385858 (VCV000385858.13), dbSNP rs34176522, ClinGen allele CA2295275.

ClinVar aggregate classification (germline): Benign/Likely benign. Review status: criteria provided, multiple submitters, no conflicts (2 of 4 stars). 4 submissions from 4 submitters: Benign (3); Likely benign (1). Last evaluated 2026-01-15.

Conditions:
STT3B-congenital disorder of glycosylation. Also called: STT3B-CDG; CDG Ix; Congenital disorder of glycosylation type 1x. Identifiers: Orphanet 370924, MedGen C2931007, MONDO:0014271, OMIM 615597.

Allele frequency attached by ClinVar (database versions not stated): gnomAD exomes 0.00101; 1000 Genomes Project 30x 0.00671; 1000 Genomes Project 0.00699; gnomAD 0.00712 and 0.00770; TOPMed 0.00862; ESP Exome Variant Server 0.00961.
gnomAD v4.1: 2,618 of 1,612,714 alleles (0.16%); highest among the groups gnomAD compares: African/African-American, 2.5%; 25 homozygotes.

Submissions (4):

Labcorp Genetics (formerly Invitae), Labcorp
Classification: Benign for STT3B-congenital disorder of glycosylation. Last evaluated: 2026-01-15. Review status: criteria provided, single submitter. Criteria: Invitae Variant Classification Sherloc (09022015). Collection method: clinical testing. Allele origin: germline.

Fulgent Genetics
Classification: Likely benign for STT3B-congenital disorder of glycosylation. Last evaluated: 2022-02-15. Review status: criteria provided, single submitter. Criteria: ACMG Guidelines, 2015. Collection method: clinical testing. Allele origin: unknown.

GeneDx
Classification: Benign. Last evaluated: 2018-02-21. Review status: criteria provided, single submitter. Criteria: GeneDx Variant Classification (06012015). Collection method: clinical testing. Allele origin: germline. Affected: yes.
Comment: This variant is considered likely benign or benign based on one or more of the following criteria: it is a conservative change, it occurs at a poorly conserved position in the protein, it is predicted to be benign by multiple in silico algorithms, and/or has population frequency not consistent with disease.

Breakthrough Genomics
Classification: Benign. Review status: criteria provided, single submitter. Criteria: ACMG Guidelines, 2015. Collection method: not provided. Allele origin: germline. Inheritance: Autosomal recessive inheritance. Affected: yes.